The following is an entry in ClinVar:

NM_001374736.1(DST):c.19262G>A (p.Gly6421Glu)

Gene: DST (dystonin; minus strand). Cytogenetic location: 6p12.1.
Variant type: single nucleotide variant.
Coding change: c.19262G>A on transcript NM_001374736.1 (MANE Select); coding-DNA position 19262, G replaced by A.
Protein change: p.Gly6421Glu; replaces glycine 6421 with glutamic acid.
Molecular consequence: missense variant.
Genome position (GRCh38, 1-based): chr6:56,506,767, C>T on the plus strand (G>A on the coding strand, the complement: DST is on the minus strand). VCF-style: chr6-56506767-C-T. GRCh37 (hg19) VCF-style: chr6-56371565-C-T.
Other names: c.12905G>A, p.Gly4302Glu (NM_001144769.5); c.12491G>A, p.Gly4164Glu (NM_001144770.2); c.19262G>A, p.Gly6421Glu (NM_001374722.1); c.18302G>A, p.Gly6101Glu (NM_001374729.1); c.12044G>A, p.Gly4015Glu (NM_001374730.1); c.19289G>A, p.Gly6430Glu (NM_001374734.1); c.12371G>A, p.Gly4124Glu (NM_001386100.1, NM_183380.4); c.11393G>A, p.Gly3798Glu (NM_015548.5); short protein forms G4124E, G4015E, G4302E, G3798E, G6101E, G6421E, G6430E, G4164E.
Identifiers: ClinVar variation 1769079 (VCV001769079.5), dbSNP rs1449081397, ClinGen allele CA364522959.

ClinVar aggregate classification (germline): Uncertain significance. Review status: criteria provided, multiple submitters, no conflicts (2 of 4 stars). 2 submissions from 2 submitters: Uncertain significance (2). Last evaluated 2022-11-26.

Conditions:
Hereditary sensory and autonomic neuropathy type 6. Also called: HSAN VI; Neuropathy, hereditary sensory and autonomic, type VI. Identifiers: Orphanet 314381, MedGen C3539003, MONDO:0013839, OMIM 614653.
Epidermolysis bullosa simplex 3, localized or generalized intermediate, with BP230 deficiency (EBS3). Also called: Epidermolysis bullosa simplex due to BP230 deficiency; Epidermolysis bullosa simplex, autosomal recessive 2. Identifiers: Orphanet 412181, MedGen C3809470, MONDO:0014180, OMIM 615425.
Inborn genetic diseases. Identifiers: MedGen C0950123, MeSH D030342.

Allele frequency attached by ClinVar (database versions not stated): gnomAD exomes below 0.00001.
gnomAD v4.1: 5 of 1,612,628 alleles (0.00031%); highest among the groups gnomAD compares: African/African-American, 0.0013%; no homozygotes.

Submissions (2):

Labcorp Genetics (formerly Invitae), Labcorp
Classification: Uncertain significance for Epidermolysis bullosa simplex 3, localized or generalized intermediate, with BP230 deficiency; Hereditary sensory and autonomic neuropathy type 6. Last evaluated: 2022-11-26. Review status: criteria provided, single submitter. Criteria: Invitae Variant Classification Sherloc (09022015). Collection method: clinical testing. Allele origin: germline.
Comment: The DST gene has multiple clinically relevant transcripts. This variant occurs in alternate transcript NM_015548.4, and corresponds to NM_001723.5:c.*108750G>A in the primary transcript. This sequence change replaces glycine, which is neutral and non-polar, with glutamic acid, which is acidic and polar, at codon 3798 of the DST protein (p.Gly3798Glu). This variant is not present in population databases (gnomAD no frequency). This variant has not been reported in the literature in individuals affected with DST-related conditions. Experimental studies and prediction algorithms are not available or were not evaluated, and the functional significance of this variant is currently unknown. In summary, the available evidence is currently insufficient to determine the role of this variant in disease. Therefore, it has been classified as a Variant of Uncertain Significance.

Ambry Genetics
Classification: Uncertain significance for Inborn genetic diseases. Last evaluated: 2021-08-27. Review status: criteria provided, single submitter. Criteria: Ambry Variant Classification Scheme 2023. Collection method: clinical testing. Allele origin: germline.
Comment: The p.G4302E variant (also known as c.12905G>A), located in coding exon 70 of the DST gene, results from a G to A substitution at nucleotide position 12905. The glycine at codon 4302 is replaced by glutamic acid, an amino acid with similar properties. This amino acid position is highly conserved in available vertebrate species. In addition, the in silico prediction for this alteration is inconclusive. Since supporting evidence is limited at this time, the clinical significance of this alteration remains unclear.